The following is an entry in ClinVar:

ClinVar aggregate classification (germline): Pathogenic (0 of 4 stars; one submission).

Conditions:
Alkaptonuria (AKU). Also called: Alkaptonuric ochronosis; Homogentisic acidura; Alcaptonuria; HOMOGENTISIC ACID OXIDASE DEFICIENCY. Identifiers: Orphanet 56, MedGen C0002066, MONDO:0008753, OMIM 203500.

Submission:

Department Of Human Genetics, Institute Of Clinical And Translational Research, Biomedical Research Center, Slovak Academy Of Sciences
Classification: Pathogenic for Alkaptonuria. Review status: no assertion criteria provided. Collection method: research. Allele origin: germline. Inheritance: Autosomal recessive inheritance. Affected: yes. Observed: 1 variant allele.
Comment: The variant was originally described in AKU patient in PMID:34504318. It has been submitted to the HGD gene mutation database (DB-ID: AKU_00224).

Literature cited by the submitters: PubMed 34504318.

NM_000187.4(HGD):c.184T>A (p.Tyr62Asn)

Gene: HGD (homogentisate 1,2-dioxygenase; minus strand). Cytogenetic location: 3q13.33.
Variant type: single nucleotide variant.
Coding change: c.184T>A on transcript NM_000187.4 (MANE Select); coding-DNA position 184, T replaced by A.
Protein change: p.Tyr62Asn; replaces tyrosine 62 with asparagine.
Molecular consequence: missense variant.
Genome position (GRCh38, 1-based): chr3:120,670,525, A>T on the plus strand (T>A on the coding strand, the complement: HGD is on the minus strand). VCF-style: chr3-120670525-A-T. GRCh37 (hg19) VCF-style: chr3-120389372-A-T.
Other names: short protein forms Y62N.
Identifiers: ClinVar variation 2626823 (VCV002626823.1), dbSNP rs2472786530, ClinGen allele CA354081584.